The following is an entry in ClinVar:

NM_000152.5(GAA):c.2040+2T>G

Gene: GAA (alpha glucosidase; plus strand). Cytogenetic location: 17q25.3.
Variant type: single nucleotide variant.
Coding change: c.2040+2T>G on transcript NM_000152.5 (MANE Select); the canonical splice donor site of the intron after coding-DNA position 2040, T replaced by G.
Molecular consequence: splice donor variant.
Genome position (GRCh38, 1-based): chr17:80,113,029, T>G. VCF-style: chr17-80113029-T-G. GRCh37 (hg19) VCF-style: chr17-78086828-T-G.
Other names: c.2040+2T>G (NM_001406741.1, NM_001406742.1, NM_001079803.3 and 1 more transcripts).
Identifiers: ClinVar variation 1941292 (VCV001941292.6), dbSNP rs2510384401, ClinGen allele CA401370214.

ClinVar aggregate classification (germline): Pathogenic/Likely pathogenic. Review status: criteria provided, multiple submitters, no conflicts (2 of 4 stars). 2 submissions from 2 submitters: Pathogenic (1); Likely pathogenic (1). Last evaluated 2023-11-10.

Conditions:
Glycogen storage disease, type II (IOPD). Also called: POMPE DISEASE, INFANTILE-ONSET; GLYCOGEN STORAGE DISEASE II, INFANTILE-ONSET; ACID ALPHA-GLUCOSIDASE DEFICIENCY, INFANTILE-ONSET; GAA DEFICIENCY, INFANTILE-ONSET; ACID MALTASE DEFICIENCY, INFANTILE-ONSET; CARDIOMEGALIA GLYCOGENICA DIFFUSA. Identifiers: Orphanet 365, MedGen C0017921, MONDO:0009290, OMIM 232300.

Submissions (2):

Labcorp Genetics (formerly Invitae), Labcorp
Classification: Pathogenic for Glycogen storage disease, type II. Last evaluated: 2023-11-10. Review status: criteria provided, single submitter. Criteria: Invitae Variant Classification Sherloc (09022015). Collection method: clinical testing. Allele origin: germline.
Comment: This sequence change affects a donor splice site in intron 14 of the GAA gene. It is expected to disrupt RNA splicing. Variants that disrupt the donor or acceptor splice site typically lead to a loss of protein function (PMID: 16199547), and loss-of-function variants in GAA are known to be pathogenic (PMID: 18425781, 22252923). This variant is not present in population databases (gnomAD no frequency). Disruption of this splice site has been observed in individual(s) with Pompe disease (PMID: 21926084, 27183828). ClinVar contains an entry for this variant (Variation ID: 1941292). Algorithms developed to predict the effect of sequence changes on RNA splicing suggest that this variant may disrupt the consensus splice site. For these reasons, this variant has been classified as Pathogenic.

Baylor Genetics
Classification: Likely pathogenic for Glycogen storage disease, type II. Last evaluated: 2022-05-25. Review status: criteria provided, single submitter. Criteria: ACMG Guidelines, 2015. Collection method: clinical testing. Allele origin: unknown.

Literature cited by the submitters: PubMed 16199547 (cited by Labcorp Genetics (formerly Invitae), Labcorp); PubMed 18425781 (cited by Labcorp Genetics (formerly Invitae), Labcorp); PubMed 22252923 (cited by Labcorp Genetics (formerly Invitae), Labcorp); PubMed 21926084 (cited by Labcorp Genetics (formerly Invitae), Labcorp); PubMed 27183828 (cited by Labcorp Genetics (formerly Invitae), Labcorp).